The following is an entry in ClinVar:

ClinVar aggregate classification (germline): Likely benign (0 of 4 stars; one submission).

Conditions:
PLEKHA5-related disorder. Also called: PLEKHA5-related condition.

Allele frequency attached by ClinVar (database versions not stated): 1000 Genomes Project 30x 0.00094; 1000 Genomes Project 0.00100; ExAC 0.00123; ESP Exome Variant Server 0.00123.
gnomAD v4.1: 2,177 of 1,598,516 alleles (0.14%); highest among the groups gnomAD compares: Middle Eastern, 0.33%; 3 homozygotes.

Submission:

PreventionGenetics, part of Exact Sciences
Classification: Likely benign for PLEKHA5-related condition. Last evaluated: 2019-10-29. Review status: no assertion criteria provided. Collection method: clinical testing. Allele origin: germline.
Comment: This variant is classified as likely benign based on ACMG/AMP sequence variant interpretation guidelines (Richards et al. 2015 PMID: 25741868, with internal and published modifications).

NM_001256470.2(PLEKHA5):c.2448C>T (p.Ala816=)

Gene: PLEKHA5 (pleckstrin homology domain containing A5; plus strand). Cytogenetic location: 12p12.3.
Variant type: single nucleotide variant.
Coding change: c.2448C>T on transcript NM_001256470.2 (MANE Select); coding-DNA position 2448, C replaced by T.
Protein change: p.Ala816=; no amino-acid change (alanine 816 retained).
Molecular consequence: synonymous variant. On other transcripts: non-coding transcript variant (6), intron variant (3).
Genome position (GRCh38, 1-based): chr12:19,322,667, C>T. VCF-style: chr12-19322667-C-T. GRCh37 (hg19) VCF-style: chr12-19475601-C-T.
Other names: c.1869C>T, p.Ala623= (NM_001385954.1, NM_001385945.1); c.1815C>T, p.Ala605= (NM_001385955.1, NM_001385956.1, NM_001385957.1 and 9 more transcripts); c.1731C>T, p.Ala577= (NM_001385960.1, NM_001385961.1, NM_001385964.1); c.1710C>T, p.Ala570= (NM_001385963.1); c.1668C>T, p.Ala556= (NM_001385965.1); c.1644C>T, p.Ala548= (NM_001385967.1); c.2313C>T, p.Ala771= (NM_001385968.1, NM_001143821.3); c.1896C>T, p.Ala632= (NM_001256787.2); and 18 more.
Identifiers: ClinVar variation 3043469 (VCV003043469.2), dbSNP rs71539465, ClinGen allele CA6472586.